The following is an entry in ClinVar:

ClinVar aggregate classification (germline): Uncertain significance (1 of 4 stars; one submission).

Conditions:
Inborn genetic diseases. Identifiers: MedGen C0950123, MeSH D030342.

gnomAD v4.1: 1 of 1,613,980 alleles (0.000062%); highest among the groups gnomAD compares: Non-Finnish European, 0.000085%; no homozygotes.

Submission:

Ambry Genetics
Classification: Uncertain significance for Inborn genetic diseases. Last evaluated: 2025-10-30. Review status: criteria provided, single submitter. Criteria: Ambry Variant Classification Scheme 2023. Collection method: clinical testing. Allele origin: germline.
Comment: The p.S955G variant (also known as c.2863A>G), located in coding exon 13 of the ASXL1 gene, results from an A to G substitution at nucleotide position 2863. The serine at codon 955 is replaced by glycine, an amino acid with similar properties. This amino acid position is conserved. In addition, this alteration is predicted to be tolerated by in silico analysis. Based on the available evidence, the clinical significance of this variant remains unclear.

NM_015338.6(ASXL1):c.2863A>G (p.Ser955Gly)

Gene: ASXL1 (ASXL transcriptional regulator 1; plus strand). Cytogenetic location: 20q11.21.
Variant type: single nucleotide variant.
Coding change: c.2863A>G on transcript NM_015338.6 (MANE Select); coding-DNA position 2863, A replaced by G.
Protein change: p.Ser955Gly; replaces serine 955 with glycine.
Molecular consequence: missense variant.
Genome position (GRCh38, 1-based): chr20:32,435,575, A>G. VCF-style: chr20-32435575-A-G. GRCh37 (hg19) VCF-style: chr20-31023378-A-G.
Other names: c.2680A>G, p.Ser894Gly (NM_001363734.1); short protein forms S894G, S955G.
Identifiers: ClinVar variation 4588227 (VCV004588227.1).